The following is an entry in ClinVar:

ClinVar aggregate classification (germline): Uncertain significance (1 of 4 stars; one submission).

Conditions:
Neuroblastoma, susceptibility to, 3. Also called: ALK-Related Neuroblastic Tumor Susceptibility. Identifiers: Orphanet 635, MedGen C2751681, MONDO:0013083, OMIM 613014.

Submission:

Labcorp Genetics (formerly Invitae), Labcorp
Classification: Uncertain significance for Neuroblastoma, susceptibility to, 3. Last evaluated: 2023-12-05. Review status: criteria provided, single submitter. Criteria: Invitae Variant Classification Sherloc (09022015). Collection method: clinical testing. Allele origin: germline.
Comment: This sequence change falls in intron 5 of the ALK gene. It does not directly change the encoded amino acid sequence of the ALK protein. It affects a nucleotide within the consensus splice site. This variant is not present in population databases (gnomAD no frequency). This variant has not been reported in the literature in individuals affected with ALK-related conditions. Variants that disrupt the consensus splice site are a relatively common cause of aberrant splicing (PMID: 17576681, 9536098). Algorithms developed to predict the effect of sequence changes on RNA splicing suggest that this variant is not likely to affect RNA splicing. In summary, the available evidence is currently insufficient to determine the role of this variant in disease. Therefore, it has been classified as a Variant of Uncertain Significance.

Literature cited by the submitters: PubMed 17576681; PubMed 9536098.

NM_004304.5(ALK):c.1282+6T>C

Gene: ALK (ALK receptor tyrosine kinase; minus strand). Cytogenetic location: 2p23.2.
Variant type: single nucleotide variant.
Coding change: c.1282+6T>C on transcript NM_004304.5 (MANE Select); 6 bases into the intron after coding-DNA position 1282, T replaced by C.
Molecular consequence: intron variant.
Genome position (GRCh38, 1-based): chr2:29,383,726, A>G on the plus strand (T>C on the coding strand, the complement: ALK is on the minus strand). VCF-style: chr2-29383726-A-G. GRCh37 (hg19) VCF-style: chr2-29606592-A-G.
Identifiers: ClinVar variation 2700955 (VCV002700955.3), dbSNP rs2148301383, ClinGen allele CA2697547968.
Genomic context (GRCh38, chr2:29,383,726, plus strand): 5'-TGCAGGTTATTGACACATCTAACACAATAGGCTACCAAGGAGCGTGGGAAAGCCAGATTC[A>G]GATACCTTCACTGCAGTTCTTCAGGGCAAAGAAGTCCACTGCAGACAAGCTGCGGTTTCC-3'